The following is an entry in ClinVar:

ClinVar aggregate classification (germline): Pathogenic (1 of 4 stars; one submission).

Conditions:
Cohen syndrome (COH1). Also called: Cutis verticis gyrata, retinitis pigmentosa, and sensorineural deafness; PEPPER SYNDROME. Identifiers: Orphanet 193, MedGen C0265223, MONDO:0008999, OMIM 216550.

Submission:

Labcorp Genetics (formerly Invitae), Labcorp
Classification: Pathogenic for Cohen syndrome. Last evaluated: 2024-01-08. Review status: criteria provided, single submitter. Criteria: Invitae Variant Classification Sherloc (09022015). Collection method: clinical testing. Allele origin: germline.
Comment: This sequence change creates a premature translational stop signal (p.Gly3797Valfs*81) in the VPS13B gene. It is expected to result in an absent or disrupted protein product. Loss-of-function variants in VPS13B are known to be pathogenic (PMID: 15141358, 16648375, 20461111). This variant is not present in population databases (gnomAD no frequency). This variant has not been reported in the literature in individuals affected with VPS13B-related conditions. For these reasons, this variant has been classified as Pathogenic.

Literature cited by the submitters: PubMed 15141358; PubMed 16648375; PubMed 20461111.

NM_152564.5(VPS13B):c.11315del (p.Gly3772fs)

Gene: VPS13B (vacuolar protein sorting 13 homolog B; plus strand). Cytogenetic location: 8q22.2.
Variant type: Deletion.
Coding change: c.11315del on transcript NM_152564.5 (MANE Select); coding-DNA position 11315, one base deleted (G; older notation c.11315delG).
Protein change: p.Gly3772fs; shifts the reading frame from glycine 3772.
Molecular consequence: frameshift variant.
Genome position (GRCh38, 1-based): chr8:99,868,388, G deleted; the last of 3 consecutive G bases (chr8:99,868,386-99,868,388); deleting any one gives the same sequence. VCF-style (leftmost placement, unchanged base first): chr8-99868385-CG-C. GRCh37 (hg19) VCF-style: chr8-100880613-CG-C.
Other names: c.11390del, p.Gly3797fs (NM_017890.5); short protein forms G3797fs, G3772fs.
Identifiers: ClinVar variation 2708241 (VCV002708241.3), dbSNP rs2492347008, ClinGen allele CA2697550080.
Genomic context (GRCh38, chr8:99,868,385, plus strand): 5'-ACTTCCAGAAAACATCTGAGGCACAGGCTTCAGCAGGACACAAGGCCAAGGGTGTCATCT[CG>C]GGTGTGGGGAAAGGAATCATGGGGGTGTTCACAAAGCCCATCGGAGGAGCTGCTGAGCTG-3'